The following is an entry in ClinVar:

NM_033453.4(ITPA):c.302A>G (p.His101Arg)

Gene: ITPA (inosine triphosphatase; plus strand). Cytogenetic location: 20p13.
Variant type: single nucleotide variant.
Coding change: c.302A>G on transcript NM_033453.4 (MANE Select); coding-DNA position 302, A replaced by G.
Protein change: p.His101Arg; replaces histidine 101 with arginine.
Molecular consequence: missense variant. On other transcripts: 5 prime UTR variant (4), non-coding transcript variant (2).
Genome position (GRCh38, 1-based): chr20:3,218,523, A>G. VCF-style: chr20-3218523-A-G. GRCh37 (hg19) VCF-style: chr20-3199169-A-G.
Other names: c.179A>G, p.His60Arg (NM_001267623.2); c.-36A>G (NM_001324236.2, NM_001324237.2, NM_001324238.2 and 1 more transcripts); c.302A>G, p.His101Arg (NM_001324240.2); c.251A>G, p.His84Arg (NM_181493.4); short protein forms H101R, H60R, H84R.
Identifiers: ClinVar variation 931694 (VCV000931694.10), dbSNP rs928104127, ClinGen allele CA310971657.

ClinVar aggregate classification (germline): Uncertain significance. Review status: criteria provided, multiple submitters, no conflicts (2 of 4 stars). 2 submissions from 2 submitters: Uncertain significance (2). Last evaluated 2025-01-16.

Conditions:
Inosine triphosphatase deficiency. Also called: INOSINE TRIPHOSPHATE PYROPHOSPHOHYDROLASE DEFICIENCY. Identifiers: MedGen C0342800, MONDO:0013461, OMIM 613850.
Developmental and epileptic encephalopathy, 35 (DEE35). Also called: Epileptic encephalopathy, early infantile, 35. Identifiers: Orphanet 457375, MedGen C4225256, MONDO:0014719, OMIM 616647.

Allele frequency attached by ClinVar (database versions not stated): gnomAD exomes below 0.00001; TOPMed below 0.00001; gnomAD 0.00001.
gnomAD v4.1: 5 of 1,613,384 alleles (0.00031%); highest among the groups gnomAD compares: Non-Finnish European, 0.00042%; no homozygotes.

Submissions (2):

Labcorp Genetics (formerly Invitae), Labcorp
Classification: Uncertain significance for Inosine triphosphatase deficiency. Last evaluated: 2025-01-16. Review status: criteria provided, single submitter. Criteria: Invitae Variant Classification Sherloc (09022015). Collection method: clinical testing. Allele origin: germline.
Comment: This sequence change replaces histidine, which is basic and polar, with arginine, which is basic and polar, at codon 101 of the ITPA protein (p.His101Arg). This variant is not present in population databases (gnomAD no frequency). This variant has not been reported in the literature in individuals affected with ITPA-related conditions. ClinVar contains an entry for this variant (Variation ID: 931694). An algorithm developed to predict the effect of missense changes on protein structure and function (PolyPhen-2) suggests that this variant is likely to be disruptive. In summary, the available evidence is currently insufficient to determine the role of this variant in disease. Therefore, it has been classified as a Variant of Uncertain Significance.

Centre for Mendelian Genomics, University Medical Centre Ljubljana
Classification: Uncertain significance for Developmental and epileptic encephalopathy, 35. Last evaluated: 2019-10-30. Review status: criteria provided, single submitter. Criteria: ACMG Guidelines, 2015. Collection method: clinical testing. Allele origin: unknown. Affected: yes.
Comment: This variant was classified as: Uncertain significance. The available evidence on this variant's pathogenicity is insufficient or conflicting. The following ACMG criteria were applied in classifying this variant: PM2,PP3,BP1.